The following is an entry in ClinVar:

ClinVar aggregate classification (germline): Likely benign. Review status: criteria provided, multiple submitters, no conflicts (2 of 4 stars). 6 submissions from 5 submitters: Likely benign (6). Last evaluated 2025-03-31.

Conditions:
Familial thoracic aortic aneurysm and aortic dissection (TAAD). Also called: Thoracic aortic aneurysms and dissections. Identifiers: Orphanet 91387, MedGen C4707243, MONDO:0019625.
Adams-Oliver syndrome 5 (AOS5). Identifiers: Orphanet 974, MedGen C4014970, MONDO:0014459, OMIM 616028.
Aortic valve disease 1 (AOVD1). Identifiers: MedGen C3887892, MONDO:0024523, OMIM 109730.

Allele frequency attached by ClinVar (database versions not stated): gnomAD 0.00001; TOPMed 0.00001; gnomAD exomes 0.00002; ExAC 0.00003.
gnomAD v4.1: 11 of 1,611,418 alleles (0.00068%); highest among the groups gnomAD compares: South Asian, 0.0033%; no homozygotes.

Submissions (6):

Labcorp Genetics (formerly Invitae), Labcorp
Classification: Likely benign for Adams-Oliver syndrome 5. Last evaluated: 2025-03-31. Review status: criteria provided, single submitter. Criteria: Invitae Variant Classification Sherloc (09022015). Collection method: clinical testing. Allele origin: germline.

Ambry Genetics
Classification: Likely benign for Familial thoracic aortic aneurysm and aortic dissection. Last evaluated: 2025-01-31. Review status: criteria provided, single submitter. Criteria: Ambry Variant Classification Scheme 2023. Collection method: clinical testing. Allele origin: germline.

CeGaT Center for Human Genetics Tuebingen
Classification: Likely benign. Last evaluated: 2023-08-01. Review status: criteria provided, single submitter. Criteria: CeGaT Center For Human Genetics Tuebingen Variant Classification Criteria Version 2. Collection method: clinical testing. Allele origin: germline. Affected: yes. Observed: 1 variant allele.
Comment: NOTCH1: BP4, BP7

Genome-Nilou Lab
Classification: Likely benign for Adams-Oliver syndrome 5. Last evaluated: 2022-03-15. Review status: criteria provided, single submitter. Criteria: ACMG Guidelines, 2015. Collection method: clinical testing. Allele origin: germline. Affected: no.

Genome-Nilou Lab
Classification: Likely benign for Aortic valve disease 1. Last evaluated: 2022-03-15. Review status: criteria provided, single submitter. Criteria: ACMG Guidelines, 2015. Collection method: clinical testing. Allele origin: germline. Affected: no.

GeneDx
Classification: Likely benign. Last evaluated: 2017-01-17. Review status: criteria provided, single submitter. Criteria: GeneDx Variant Classification (06012015). Collection method: clinical testing. Allele origin: germline. Affected: yes.
Comment: This variant is considered likely benign or benign based on one or more of the following criteria: it is a conservative change, it occurs at a poorly conserved position in the protein, it is predicted to be benign by multiple in silico algorithms, and/or has population frequency not consistent with disease.

NM_017617.5(NOTCH1):c.1278G>A (p.Ala426=)

Gene: NOTCH1 (notch receptor 1; minus strand). Cytogenetic location: 9q34.3.
Variant type: single nucleotide variant.
Coding change: c.1278G>A on transcript NM_017617.5 (MANE Select); coding-DNA position 1278, G replaced by A.
Protein change: p.Ala426=; no amino-acid change (alanine 426 retained).
Molecular consequence: synonymous variant.
Genome position (GRCh38, 1-based): chr9:136,517,915, C>T on the plus strand (G>A on the coding strand, the complement: NOTCH1 is on the minus strand). VCF-style: chr9-136517915-C-T. GRCh37 (hg19) VCF-style: chr9-139412367-C-T.
Other names: c.1278G>A, p.Ala426= (LRG_1122t1).
Identifiers: ClinVar variation 392805 (VCV000392805.35), dbSNP rs781782610, ClinGen allele CA5341839.